The following is an entry in ClinVar:

NM_006648.4(WNK2):c.3238G>C (p.Val1080Leu)

Gene: WNK2 (WNK lysine deficient protein kinase 2; plus strand). Cytogenetic location: 9q22.31.
Variant type: single nucleotide variant.
Coding change: c.3238G>C on transcript NM_006648.4 (MANE Select); coding-DNA position 3238, G replaced by C.
Protein change: p.Val1080Leu; replaces valine 1080 with leucine.
Molecular consequence: missense variant.
Genome position (GRCh38, 1-based): chr9:93,261,985, G>C. VCF-style: chr9-93261985-G-C. GRCh37 (hg19) VCF-style: chr9-96024267-G-C.
Other names: c.3238G>C, p.Val1080Leu (NM_001282394.3); short protein forms V1080L.
Identifiers: ClinVar variation 4605422 (VCV004605422.1).
Genomic context (GRCh38, chr9:93,261,985, plus strand): 5'-CCTGCCGCCCCTGAGCTCCTGCCTCAGTTCCCCAGCTCCCTGGCCACGGTGTCTGCCTCT[G>C]TGCAGAGTGTGCCCACCCAGACTGCCACACTTCTGCCACCAGCAAACCCACCGCTGCCTG-3'
Protein context (NP_006639.3, residues 1070-1090): PSSLATVSAS[Val1080Leu]QSVPTQTATL

ClinVar aggregate classification (germline): Uncertain significance (1 of 4 stars; one submission).

gnomAD v4.1: 1 of 1,611,724 alleles (0.000062%); highest among the groups gnomAD compares: African/African-American, 0.0013%; no homozygotes.

Submission:

Ambry Genetics
Classification: Uncertain significance. Last evaluated: 2025-12-09. Review status: criteria provided, single submitter. Criteria: Ambry Variant Classification Scheme 2023. Collection method: clinical testing. Allele origin: germline.
Comment: The p.V1080L variant (also known as c.3238G>C), located in coding exon 12 of the WNK2 gene, results from a G to C substitution at nucleotide position 3238. The valine at codon 1080 is replaced by leucine, an amino acid with highly similar properties. This amino acid position is conserved. In addition, this alteration is predicted to be tolerated by in silico analysis. Based on the available evidence, the clinical significance of this variant remains unclear.